The following is an entry in ClinVar:

ClinVar aggregate classification (germline): Uncertain significance (1 of 4 stars; one submission).

Conditions:
Joubert syndrome 21 (JBTS21). Identifiers: MedGen C3810212, MONDO:0014288, OMIM 615636.

Allele frequency attached by ClinVar (database versions not stated): TOPMed 0.00001.
gnomAD v4.1: 1 of 1,613,360 alleles (0.000062%); no homozygotes.

Submission:

Labcorp Genetics (formerly Invitae), Labcorp
Classification: Uncertain significance for Joubert syndrome 21. Last evaluated: 2022-08-22. Review status: criteria provided, single submitter. Criteria: Invitae Variant Classification Sherloc (09022015). Collection method: clinical testing. Allele origin: germline.
Comment: In summary, the available evidence is currently insufficient to determine the role of this variant in disease. Therefore, it has been classified as a Variant of Uncertain Significance. Algorithms developed to predict the effect of missense changes on protein structure and function are either unavailable or do not agree on the potential impact of this missense change (SIFT: "Tolerated"; PolyPhen-2: "Possibly Damaging"; Align-GVGD: "Class C0"). This variant has not been reported in the literature in individuals affected with CSPP1-related conditions. This variant is not present in population databases (gnomAD no frequency). This sequence change replaces isoleucine, which is neutral and non-polar, with phenylalanine, which is neutral and non-polar, at codon 495 of the CSPP1 protein (p.Ile495Phe).

NM_001382391.1(CSPP1):c.1498A>T (p.Ile500Phe)

Gene: CSPP1 (centrosome and spindle pole associated protein 1; plus strand). Cytogenetic location: 8q13.2.
Variant type: single nucleotide variant.
Coding change: c.1498A>T on transcript NM_001382391.1 (MANE Select); coding-DNA position 1498, A replaced by T.
Protein change: p.Ile500Phe; replaces isoleucine 500 with phenylalanine.
Molecular consequence: missense variant.
Genome position (GRCh38, 1-based): chr8:67,118,249, A>T. VCF-style: chr8-67118249-A-T. GRCh37 (hg19) VCF-style: chr8-68030484-A-T.
Other names: c.601A>T, p.Ile201Phe (NM_001291339.2); c.1417A>T, p.Ile473Phe (NM_001363131.2); c.1456A>T, p.Ile486Phe (NM_001363132.2); c.1375A>T, p.Ile459Phe (NM_001363133.2); c.1564A>T, p.Ile522Phe (NM_001364869.1); c.1384A>T, p.Ile462Phe (NM_001364870.1); c.1483A>T, p.Ile495Phe (NM_024790.7); short protein forms I201F, I459F, I495F, I500F, I486F, I462F, I522F, I473F.
Identifiers: ClinVar variation 1964207 (VCV001964207.3), dbSNP rs1818314375, ClinGen allele CA371200313.
Genomic context (GRCh38, chr8:67,118,249, plus strand): 5'-ATTTTTTAAAAAATTGCAATGAAATATGAGAGGAATTTTTCATCTTTCTTTTCATACAGG[A>T]TTGCACCTCTGCCTCCACCTCCCCTACTACCACCTTTGGCTACTAACTATCGAACTCCTT-3'
Protein context (NP_001369320.1, residues 490-510): SALGEMVSPR[Ile500Phe]APLPPPPLLP